The following is an entry in ClinVar:

NM_000052.7(ATP7A):c.4006A>G (p.Asn1336Asp)

Gene: ATP7A (ATPase copper transporting alpha; plus strand). Cytogenetic location: Xq21.1.
Variant type: single nucleotide variant.
Coding change: c.4006A>G on transcript NM_000052.7 (MANE Select); coding-DNA position 4006, A replaced by G.
Protein change: p.Asn1336Asp; replaces asparagine 1336 with aspartic acid.
Molecular consequence: missense variant. On other transcripts: non-coding transcript variant (1).
Genome position (GRCh38, 1-based): chrX:78,043,317, A>G. VCF-style: chrX-78043317-A-G. GRCh37 (hg19) VCF-style: chrX-77298815-A-G.
Other names: p.Asn1336Asp; c.3772A>G, p.Asn1258Asp (NM_001282224.2); short protein forms N1336D, N1258D.
Identifiers: ClinVar variation 284224 (VCV000284224.48), dbSNP rs146651049, ClinGen allele CA10459493.

ClinVar aggregate classification (germline): Conflicting classifications of pathogenicity. Review status: criteria provided, conflicting classifications (1 of 4 stars). 8 submissions from 8 submitters: Uncertain significance (1); Benign (3); Likely benign (3). 1 of the submissions does not count toward it. Last evaluated 2026-05-20.

Conditions:
Inborn genetic diseases. Identifiers: MedGen C0950123, MeSH D030342.
Cutis laxa, X-linked (OHS). Also called: EDS IX; Occipital horn syndrome. Identifiers: Orphanet 198, MedGen C0268353, MONDO:0010572, OMIM 304150.
X-linked distal spinal muscular atrophy type 3. Also called: SPINAL MUSCULAR ATROPHY, DISTAL, X-LINKED RECESSIVE; ATP7A-Related Distal Motor Neuropathy; NEURONOPATHY, DISTAL HEREDITARY MOTOR, X-LINKED; NEUROPATHY, DISTAL HEREDITARY MOTOR, X-LINKED. Identifiers: Orphanet 139557, MedGen C1845359, MONDO:0010338, OMIM 300489.
Menkes kinky-hair syndrome (MNK). Also called: Classic Menkes Disease; Menkes Disease; Copper transport disease. Identifiers: Orphanet 565, MedGen C0022716, MONDO:0010651, OMIM 309400.

Allele frequency attached by ClinVar (database versions not stated): gnomAD exomes 0.00010 and 0.00027; ExAC 0.00033; 1000 Genomes Project 0.00079; gnomAD 0.00081 and 0.00082; 1000 Genomes Project 30x 0.00083; TOPMed 0.00105; ESP Exome Variant Server 0.00114.
gnomAD v4.1: 218 of 1,174,211 alleles (0.019%); highest among the groups gnomAD compares: African/African-American, 0.29%; 1 homozygote.

Submissions (8):

Women's Health and Genetics/Laboratory Corporation of America, LabCorp
Classification: Likely benign. Last evaluated: 2026-05-20. Review status: criteria provided, single submitter. Criteria: LabCorp Variant Classification Summary - May 2015. Collection method: clinical testing. Allele origin: germline.
Comment: Variant summary: ATP7A c.4006A>G (p.Asn1336Asp) results in a conservative amino acid change in the encoded protein sequence. Algorithms developed to predict the effect of missense changes on protein structure and function are either unavailable or do not agree on the potential impact of this missense change. Consensus agreement among computation tools predict no significant impact on normal splicing. However, these predictions have yet to be confirmed by functional studies. The variant allele was found at a frequency of 0.00027 in 182839 control chromosomes, predominantly at a frequency of 0.0029 within the African or African-American subpopulation in the gnomAD database, including 6 hemizygotes. The observed variant frequency within African or African-American control individuals in the gnomAD database exceeds the estimated maximal expected allele frequency for disease-causing variants in ATP7A. To our knowledge, no occurrence of c.4006A>G in individuals affected with ATP7A-related conditions and no experimental evidence demonstrating its impact on protein function have been reported. ClinVar contains an entry for this variant (Variation ID: 284224). Based on the evidence outlined above, the variant was classified as likely benign.

Labcorp Genetics (formerly Invitae), Labcorp
Classification: Likely benign for X-linked distal spinal muscular atrophy type 3; Cutis laxa, X-linked; Menkes kinky-hair syndrome. Last evaluated: 2026-01-14. Review status: criteria provided, single submitter. Criteria: Invitae Variant Classification Sherloc (09022015). Collection method: clinical testing. Allele origin: germline.

Mayo Clinic Laboratories, Mayo Clinic
Classification: Benign. Last evaluated: 2025-10-10. Review status: criteria provided, single submitter. Criteria: ACMG Guidelines, 2015. Collection method: clinical testing. Allele origin: germline. Observed: 2 variant alleles.
Comment: BS1, BS2

Ambry Genetics
Classification: Benign for Inborn genetic diseases. Last evaluated: 2022-11-14. Review status: criteria provided, single submitter. Criteria: Ambry Variant Classification Scheme 2023. Collection method: clinical testing. Allele origin: germline.

CeGaT Center for Human Genetics Tuebingen
Classification: Likely benign. Last evaluated: 2022-07-01. Review status: criteria provided, single submitter. Criteria: CeGaT Center For Human Genetics Tuebingen Variant Classification Criteria Version 2. Collection method: clinical testing. Allele origin: germline. Affected: yes. Observed: 1 variant allele.
Comment: ATP7A: BS1

GeneDx
Classification: Benign. Last evaluated: 2020-07-19. Review status: criteria provided, single submitter. Criteria: GeneDx Variant Classification Process June 2021. Collection method: clinical testing. Allele origin: germline. Affected: yes.

Eurofins Ntd Llc (ga)
Classification: Uncertain significance. Last evaluated: 2015-11-18. Review status: criteria provided, single submitter. Criteria: EGL Classification Definitions 2015. Collection method: clinical testing. Allele origin: germline. Observed: 1 variant allele, 1 heterozygote.

Natera, Inc.
Classification: Likely benign for Distal spinal muscular atrophy, X-linked 3; Cutis laxa, X-linked; Menkes kinky-hair syndrome. Last evaluated: 2020-09-16. Review status: no assertion criteria provided. Collection method: clinical testing. Allele origin: germline. Not counted in ClinVar's aggregate classification.